The following is an entry in ClinVar:

NM_139076.3(ABRAXAS1):c.88G>A (p.Glu30Lys)

Gene: ABRAXAS1 (abraxas 1, BRCA1 A complex subunit; minus strand). Cytogenetic location: 4q21.23.
Variant type: single nucleotide variant.
Coding change: c.88G>A on transcript NM_139076.3 (MANE Select); coding-DNA position 88, G replaced by A.
Protein change: p.Glu30Lys; replaces glutamic acid 30 with lysine.
Molecular consequence: missense variant. On other transcripts: 5 prime UTR variant (1).
Genome position (GRCh38, 1-based): chr4:83,482,244, C>T on the plus strand (G>A on the coding strand, the complement: ABRAXAS1 is on the minus strand). VCF-style: chr4-83482244-C-T. GRCh37 (hg19) VCF-style: chr4-84403397-C-T.
Other names: c.-173G>A (NM_001345962.2); short protein forms E30K.
Identifiers: ClinVar variation 2449143 (VCV002449143.2), dbSNP rs1208584168, ClinGen allele CA357263375.

ClinVar aggregate classification (germline): Uncertain significance (1 of 4 stars; one submission).

Allele frequency attached by ClinVar (database versions not stated): TOPMed below 0.00001; gnomAD 0.00001.
gnomAD v4.1: 1 of 1,596,386 alleles (0.000063%); highest among the groups gnomAD compares: African/African-American, 0.0013%; no homozygotes.

Submission:

Ambry Genetics
Classification: Uncertain significance. Last evaluated: 2022-12-13. Review status: criteria provided, single submitter. Criteria: Ambry Variant Classification Scheme 2023. Collection method: clinical testing. Allele origin: germline.
Comment: The p.E30K variant (also known as c.88G>A) is located in coding exon 2 of the FAM175A gene. The glutamic acid at codon 30 is replaced by lysine, an amino acid with similar properties. This change occurs in the first base pair of coding exon 2. This amino acid position is conserved. In addition, this alteration is predicted to be deleterious by in silico analysis. Since supporting evidence is limited at this time, the clinical significance of this alteration remains unclear.